The following is an entry in ClinVar:

ClinVar aggregate classification (germline): Uncertain significance. Review status: criteria provided, multiple submitters, no conflicts (2 of 4 stars). 3 submissions from 3 submitters: Uncertain significance (3). Last evaluated 2024-12-04.

Conditions:
Hereditary cancer-predisposing syndrome. Also called: Hereditary neoplastic syndrome; Tumor predisposition; Hereditary Cancer Syndrome; Neoplastic Syndromes, Hereditary. Identifiers: Orphanet 140162, MedGen C0027672, MeSH D009386, MONDO:0015356.
Familial cancer of breast. Also called: Hereditary breast cancer; hereditary breast carcinoma; BREAST CANCER, FAMILIAL. Identifiers: Orphanet 227535, MedGen C0346153, MONDO:0016419, OMIM 114480. Disease mechanism: loss of function.

Allele frequency attached by ClinVar (database versions not stated): gnomAD exomes below 0.00001.
gnomAD v4.1: 1 of 1,613,466 alleles (0.000062%); highest among the groups gnomAD compares: Non-Finnish European, 0.000085%; no homozygotes.

Submissions (3):

Ambry Genetics
Classification: Uncertain significance for Hereditary cancer-predisposing syndrome. Last evaluated: 2024-12-04. Review status: criteria provided, single submitter. Criteria: Ambry Variant Classification Scheme 2023. Collection method: clinical testing. Allele origin: germline.
Comment: The p.M331T variant (also known as c.992T>C), located in coding exon 8 of the CHEK2 gene, results from a T to C substitution at nucleotide position 992. The methionine at codon 331 is replaced by threonine, an amino acid with similar properties. This amino acid position is highly conserved in available vertebrate species. In addition, the in silico prediction for this alteration is inconclusive. Based on the available evidence, the clinical significance of this variant remains unclear.

Labcorp Genetics (formerly Invitae), Labcorp
Classification: Uncertain significance for Familial cancer of breast. Last evaluated: 2023-06-09. Review status: criteria provided, single submitter. Criteria: Invitae Variant Classification Sherloc (09022015). Collection method: clinical testing. Allele origin: germline.
Comment: This variant has not been reported in the literature in individuals affected with CHEK2-related conditions. ClinVar contains an entry for this variant (Variation ID: 491659). This sequence change replaces methionine, which is neutral and non-polar, with threonine, which is neutral and polar, at codon 331 of the CHEK2 protein (p.Met331Thr). This variant is not present in population databases (gnomAD no frequency). An algorithm developed to predict the effect of missense changes on protein structure and function (PolyPhen-2) suggests that this variant is likely to be disruptive. In summary, the available evidence is currently insufficient to determine the role of this variant in disease. Therefore, it has been classified as a Variant of Uncertain Significance.

Color Diagnostics, LLC DBA Color Health
Classification: Uncertain significance for Hereditary cancer-predisposing syndrome. Last evaluated: 2018-08-27. Review status: criteria provided, single submitter. Criteria: ACMG Guidelines, 2015. Collection method: clinical testing. Allele origin: germline.

NM_007194.4(CHEK2):c.992T>C (p.Met331Thr)

Gene: CHEK2 (checkpoint kinase 2; minus strand). Cytogenetic location: 22q12.1.
Variant type: single nucleotide variant.
Coding change: c.992T>C on transcript NM_007194.4 (MANE Select); coding-DNA position 992, T replaced by C.
Protein change: p.Met331Thr; replaces methionine 331 with threonine.
Molecular consequence: missense variant.
Genome position (GRCh38, 1-based): chr22:28,699,854, A>G on the plus strand (T>C on the coding strand, the complement: CHEK2 is on the minus strand). VCF-style: chr22-28699854-A-G. GRCh37 (hg19) VCF-style: chr22-29095842-A-G.
Other names: c.1121T>C, p.Met374Thr (NM_001005735.3); c.329T>C, p.Met110Thr (NM_001257387.3); c.791T>C, p.Met264Thr (NM_001349956.3); c.992T>C, p.Met331Thr (NM_145862.3); short protein forms M331T, M110T, M264T, M374T.
Identifiers: ClinVar variation 491659 (VCV000491659.7), dbSNP rs1555915352, ClinGen allele CA411099448.